The following is an entry in ClinVar:

ClinVar aggregate classification (germline): Uncertain significance. Review status: criteria provided, multiple submitters, no conflicts (2 of 4 stars). 3 submissions from 3 submitters: Uncertain significance (3). Last evaluated 2024-11-14.

Conditions:
Inborn genetic diseases. Identifiers: MedGen C0950123, MeSH D030342.
Renal coloboma syndrome (PAPRS). Also called: PAPILLORENAL SYNDROME WITH MILD OCULAR ABNORMALITIES; PAPILLORENAL SYNDROME; COLOBOMA OF OPTIC NERVE WITH RENAL DISEASE; CONGENITAL ANOMALIES OF THE KIDNEY AND URINARY TRACT WITH OR WITHOUT OCULAR ABNORMALITIES; CAKUT WITH OR WITHOUT OCULAR ABNORMALITIES; OPTIC COLOBOMA, VESICOURETERAL REFLUX, AND RENAL ANOMALIES. Identifiers: Orphanet 1475, MedGen C1852759, MONDO:0007352, OMIM 120330.
Focal segmental glomerulosclerosis 7 (FSGS7). Identifiers: Orphanet 656, MedGen C4014925, MONDO:0014451, OMIM 616002.

Allele frequency attached by ClinVar (database versions not stated): TOPMed below 0.00001.
gnomAD v4.1: 12 of 1,614,226 alleles (0.00074%); highest among the groups gnomAD compares: African/African-American, 0.0013%; no homozygotes.

Submissions (3):

Labcorp Genetics (formerly Invitae), Labcorp
Classification: Uncertain significance for Renal coloboma syndrome; Focal segmental glomerulosclerosis 7. Last evaluated: 2024-11-14. Review status: criteria provided, single submitter. Criteria: Invitae Variant Classification Sherloc (09022015). Collection method: clinical testing. Allele origin: germline.
Comment: This sequence change replaces arginine, which is basic and polar, with glutamine, which is neutral and polar, at codon 229 of the PAX2 protein (p.Arg229Gln). This variant is present in population databases (rs753350907, gnomAD 0.003%). This variant has not been reported in the literature in individuals affected with PAX2-related conditions. ClinVar contains an entry for this variant (Variation ID: 2170607). Experimental studies and prediction algorithms are not available or were not evaluated, and the functional significance of this variant is currently unknown. In summary, the available evidence is currently insufficient to determine the role of this variant in disease. Therefore, it has been classified as a Variant of Uncertain Significance.

Fulgent Genetics
Classification: Uncertain significance for Renal coloboma syndrome; Focal segmental glomerulosclerosis 7. Last evaluated: 2024-06-12. Review status: criteria provided, single submitter. Criteria: ACMG Guidelines, 2015. Collection method: clinical testing. Allele origin: germline.

Ambry Genetics
Classification: Uncertain significance for Inborn genetic diseases. Last evaluated: 2023-09-20. Review status: criteria provided, single submitter. Criteria: Ambry Variant Classification Scheme 2023. Collection method: clinical testing. Allele origin: germline.

NM_000278.5(PAX2):c.686G>A (p.Arg229Gln)

Gene: PAX2 (paired box 2; plus strand). Cytogenetic location: 10q24.31.
Variant type: single nucleotide variant.
Coding change: c.686G>A on transcript NM_000278.5 (MANE Select); coding-DNA position 686, G replaced by A.
Protein change: p.Arg229Gln; replaces arginine 229 with glutamine.
Molecular consequence: missense variant.
Genome position (GRCh38, 1-based): chr10:100,806,499, G>A. VCF-style: chr10-100806499-G-A. GRCh37 (hg19) VCF-style: chr10-102566256-G-A.
Other names: c.779G>A, p.Arg260Gln (NM_001304569.2); c.755G>A, p.Arg252Gln (NM_003987.5, NM_003990.5); c.686G>A, p.Arg229Gln (NM_003988.5, NM_003989.5); c.755G>A (NM_003987.3); short protein forms R252Q, R260Q, R229Q.
Identifiers: ClinVar variation 2170607 (VCV002170607.6), dbSNP rs753350907, ClinGen allele CA213069710.